The following is an entry in ClinVar:

ClinVar aggregate classification (germline): Likely benign. Review status: criteria provided, multiple submitters, no conflicts (2 of 4 stars). 2 submissions from 2 submitters: Likely benign (2). Last evaluated 2026-06-01.

Conditions:
WDR81-related disorder. Also called: WDR81-related condition.

gnomAD v4.1: 38 of 1,576,970 alleles (0.0024%); highest among the groups gnomAD compares: Admixed American, 0.036%; no homozygotes.

Submissions (2):

CeGaT Center for Human Genetics Tuebingen
Classification: Likely benign. Last evaluated: 2026-06-01. Review status: criteria provided, single submitter. Criteria: CeGaT Center For Human Genetics Tuebingen Variant Classification Criteria Version 2. Collection method: clinical testing. Allele origin: germline. Affected: yes. Observed: 1 variant allele.
Comment: WDR81: BP4, BP7

PreventionGenetics, part of Exact Sciences
Classification: Likely benign for WDR81-related condition. Last evaluated: 2025-02-05. Review status: criteria provided, single submitter. Criteria: ACMG Guidelines, 2015. Collection method: clinical testing. Allele origin: germline.
Comment: This variant is classified as likely benign based on ACMG/AMP sequence variant interpretation guidelines (Richards et al. 2015 PMID: 25741868, with internal and published modifications).

NM_001163809.2(WDR81):c.3558G>A (p.Thr1186=)

Gene: WDR81 (WD repeat domain 81; plus strand). Cytogenetic location: 17p13.3.
Variant type: single nucleotide variant.
Coding change: c.3558G>A on transcript NM_001163809.2 (MANE Select); coding-DNA position 3558, G replaced by A.
Protein change: p.Thr1186=; no amino-acid change (threonine 1186 retained).
Molecular consequence: synonymous variant. On other transcripts: intron variant (2).
Genome position (GRCh38, 1-based): chr17:1,728,517, G>A. VCF-style: chr17-1728517-G-A. GRCh37 (hg19) VCF-style: chr17-1631811-G-A.
Other names: c.3558G>A (NM_001163809.1); c.405G>A, p.Thr135= (NM_152348.4); c.59-1863G>A (NM_001163673.2); c.-14-1863G>A (NM_001163811.2).
Identifiers: ClinVar variation 4872867 (VCV004872867.3).